The following is an entry in ClinVar:

ClinVar aggregate classification (germline): Uncertain significance. Review status: criteria provided, multiple submitters, no conflicts (2 of 4 stars). 2 submissions from 2 submitters: Uncertain significance (2). Last evaluated 2025-12-09.

Conditions:
Inborn genetic diseases. Identifiers: MedGen C0950123, MeSH D030342.
Glycogen storage disease IV, classic hepatic. Also called: GSD IV, CLASSIC HEPATIC. Identifiers: MedGen C1856301.
Glycogen storage disease, type IV (GSD4). Also called: Glycogen storage disease due to glycogen branching enzyme deficiency; BRANCHER DEFICIENCY; AMYLOPECTINOSIS; ANDERSEN DISEASE; CIRRHOSIS, FAMILIAL, WITH DEPOSITION OF ABNORMAL GLYCOGEN; GBE1 DEFICIENCY. Identifiers: Orphanet 367, MedGen C0017923, MONDO:0009292, OMIM 232500.

Allele frequency attached by ClinVar (database versions not stated): gnomAD exomes below 0.00001.
gnomAD v4.1: 1 of 1,582,918 alleles (0.000063%); highest among the groups gnomAD compares: Non-Finnish European, 0.000086%; no homozygotes.

Submissions (2):

Ambry Genetics
Classification: Uncertain significance for Inborn genetic diseases. Last evaluated: 2025-12-09. Review status: criteria provided, single submitter. Criteria: Ambry Variant Classification Scheme 2023. Collection method: clinical testing. Allele origin: germline.

Labcorp Genetics (formerly Invitae), Labcorp
Classification: Uncertain significance for Glycogen storage disease, type IV; Glycogen storage disease IV, classic hepatic. Last evaluated: 2024-12-30. Review status: criteria provided, single submitter. Criteria: Invitae Variant Classification Sherloc (09022015). Collection method: clinical testing. Allele origin: germline.
Comment: This sequence change replaces glutamic acid, which is acidic and polar, with lysine, which is basic and polar, at codon 591 of the GBE1 protein (p.Glu591Lys). This variant is not present in population databases (gnomAD no frequency). This variant has not been reported in the literature in individuals affected with GBE1-related conditions. ClinVar contains an entry for this variant (Variation ID: 2004477). Invitae Evidence Modeling of protein sequence and biophysical properties (such as structural, functional, and spatial information, amino acid conservation, physicochemical variation, residue mobility, and thermodynamic stability) indicates that this missense variant is expected to disrupt GBE1 protein function with a positive predictive value of 95%. In summary, the available evidence is currently insufficient to determine the role of this variant in disease. Therefore, it has been classified as a Variant of Uncertain Significance.

NM_000158.4(GBE1):c.1771G>A (p.Glu591Lys)

Gene: GBE1 (1,4-alpha-glucan branching enzyme 1; minus strand). Cytogenetic location: 3p12.2.
Variant type: single nucleotide variant.
Coding change: c.1771G>A on transcript NM_000158.4 (MANE Select); coding-DNA position 1771, G replaced by A.
Protein change: p.Glu591Lys; replaces glutamic acid 591 with lysine.
Molecular consequence: missense variant.
Genome position (GRCh38, 1-based): chr3:81,536,943, C>T on the plus strand (G>A on the coding strand, the complement: GBE1 is on the minus strand). VCF-style: chr3-81536943-C-T. GRCh37 (hg19) VCF-style: chr3-81586094-C-T.
Other names: c.1771G>A (NM_000158.3); short protein forms E591K.
Identifiers: ClinVar variation 2004477 (VCV002004477.5), dbSNP rs2471675265, ClinGen allele CA353686353.